The following is an entry in ClinVar:

ClinVar aggregate classification (germline): Likely benign (1 of 4 stars; one submission).

gnomAD v4.1: 3 of 1,468,110 alleles (0.0002%); highest among the groups gnomAD compares: Non-Finnish European, 0.00027%; no homozygotes.

Submission:

Mayo Clinic Laboratories, Mayo Clinic
Classification: Likely benign. Last evaluated: 2025-10-06. Review status: criteria provided, single submitter. Criteria: ACMG Guidelines, 2015. Collection method: clinical testing. Allele origin: germline. Observed: 1 variant allele.
Comment: BP4, BP7, PM2_supporting

NM_130468.4(CHST14):c.45C>A (p.Ala15=)

Genes: CHST14 (carbohydrate sulfotransferase 14; plus strand), LOC130056851 (ATAC-STARR-seq lymphoblastoid silent region 6336; plus strand). Cytogenetic location: 15q15.1.
Variant type: single nucleotide variant.
Coding change: c.45C>A on transcript NM_130468.4 (MANE Select); coding-DNA position 45, C replaced by A.
Protein change: p.Ala15=; no amino-acid change (alanine 15 retained).
Molecular consequence: synonymous variant.
Genome position (GRCh38, 1-based): chr15:40,471,258, C>A. VCF-style: chr15-40471258-C-A. GRCh37 (hg19) VCF-style: chr15-40763457-C-A.
Other names: p.Ala15=.
Identifiers: ClinVar variation 4683961 (VCV004683961.1).
Genomic context (GRCh38, chr15:40,471,258, plus strand): 5'-CCACCCCTTGAGCACCATGTTCCCCCGCCCGCTGACCCCGCTGGCGGCCCCAAATGGCGC[C>A]GAGCCCCTGGGCCGGGCGCTGAGGCGGGCCCCTCTGGGCAGGGCCCGGGCGGGGCTGGGT-3'
Protein context (NP_569735.1, residues 5-25): PLTPLAAPNG[Ala15=]EPLGRALRRA